The following is an entry in ClinVar:

NM_002609.4(PDGFRB):c.2222T>C (p.Met741Thr)

Gene: PDGFRB (platelet derived growth factor receptor beta; minus strand). Cytogenetic location: 5q32.
Variant type: single nucleotide variant.
Coding change: c.2222T>C on transcript NM_002609.4 (MANE Select); coding-DNA position 2222, T replaced by C.
Protein change: p.Met741Thr; replaces methionine 741 with threonine.
Molecular consequence: missense variant.
Genome position (GRCh38, 1-based): chr5:150,122,002, A>G on the plus strand (T>C on the coding strand, the complement: PDGFRB is on the minus strand). VCF-style: chr5-150122002-A-G. GRCh37 (hg19) VCF-style: chr5-149501565-A-G.
Other names: c.2030T>C, p.Met677Thr (NM_001355016.2); c.1739T>C, p.Met580Thr (NM_001355017.2); short protein forms M580T, M677T, M741T.
Identifiers: ClinVar variation 4279927 (VCV004279927.1).

ClinVar aggregate classification (germline): Uncertain significance (1 of 4 stars; one submission).

Conditions:
Skeletal overgrowth-craniofacial dysmorphism-hyperelastic skin-white matter lesions syndrome. Also called: SKELETAL OVERGROWTH WITH FACIAL DYSMORPHISM, HYPERELASTIC SKIN, WHITE MATTER LESIONS, AND NEUROLOGIC DETERIORATION; Kosaki overgrowth syndrome. Identifiers: Orphanet 477831, MedGen C4225270, MONDO:0014704, OMIM 616592.

gnomAD v4.1: 4 of 1,613,704 alleles (0.00025%); highest among the groups gnomAD compares: Admixed American, 0.005%; no homozygotes.

Submission:

Clinical Genomics Laboratory, Washington University in St. Louis
Classification: Uncertain significance for Skeletal overgrowth-craniofacial dysmorphism-hyperelastic skin-white matter lesions syndrome. Last evaluated: 2025-02-18. Review status: criteria provided, single submitter. Criteria: ACMG Guidelines, 2015. Collection method: clinical testing. Allele origin: germline.
Comment: A PDGFRB c.2222T>C (p.Met741Thr) variant was identified at a heterozygous allelic fraction of 51.1%, a frequency which may be consistent with germline origin. This variant, to our knowledge, has not been reported in the medical literature. It occurs on 4/1,613,704 alleles in the general population (gnomAD v4.1.0), indicating it is not a common variant. Computational predictors indicate that the variant is damaging, evidence that correlates with impact to PDGFRB function. Due to limited information, and based on ACMG/AMP guidelines for variant interpretation (Richards S et al., PMID: 25741868), the clinical significance of this variant is uncertain at this time.